The following is an entry in ClinVar:

ClinVar aggregate classification (germline): Benign (1 of 4 stars; one submission).

Allele frequency attached by ClinVar (database versions not stated): gnomAD exomes 0.00395; gnomAD 0.01933 and 0.02066; TOPMed 0.02103; 1000 Genomes Project 0.02256.
gnomAD v4.1: 3,138 of 205,972 alleles (1.5%); highest among the groups gnomAD compares: African/African-American, 6.7%; 113 homozygotes.

Submission:

GeneDx
Classification: Benign. Last evaluated: 2018-06-14. Review status: criteria provided, single submitter. Criteria: GeneDx Variant Classification (06012015). Collection method: clinical testing. Allele origin: germline. Affected: yes.
Comment: This variant is considered likely benign or benign based on one or more of the following criteria: it is a conservative change, it occurs at a poorly conserved position in the protein, it is predicted to be benign by multiple in silico algorithms, and/or has population frequency not consistent with disease.

NM_001042492.3(NF1):c.4111-1705C>T

Gene: NF1 (neurofibromin 1; plus strand). Cytogenetic location: 17q11.2.
Variant type: single nucleotide variant.
Coding change: c.4111-1705C>T on transcript NM_001042492.3 (MANE Select); 1705 bases into the intron before coding-DNA position 4111, C replaced by T.
Molecular consequence: intron variant.
Genome position (GRCh38, 1-based): chr17:31,251,233, C>T. VCF-style: chr17-31251233-C-T. GRCh37 (hg19) VCF-style: chr17-29578251-C-T.
Other names: c.4110+2114C>T (NM_000267.4).
Identifiers: ClinVar variation 561774 (VCV000561774.1), dbSNP rs112855251, ClinGen allele CA289347643.